The following is an entry in ClinVar:

NM_000222.3(KIT):c.10G>C (p.Ala4Pro)

Gene: KIT (KIT proto-oncogene, receptor tyrosine kinase; plus strand). Cytogenetic location: 4q12.
Variant type: single nucleotide variant.
Coding change: c.10G>C on transcript NM_000222.3 (MANE Select); coding-DNA position 10, G replaced by C.
Protein change: p.Ala4Pro; replaces alanine 4 with proline.
Molecular consequence: missense variant.
Genome position (GRCh38, 1-based): chr4:54,658,024, G>C. VCF-style: chr4-54658024-G-C. GRCh37 (hg19) VCF-style: chr4-55524191-G-C.
Other names: c.10G>C, p.Ala4Pro (NM_001093772.2, NM_001385284.1, NM_001385285.1 and 4 more transcripts); short protein forms A4P.
Identifiers: ClinVar variation 528500 (VCV000528500.9), dbSNP rs1192807264, ClinGen allele CA356897846.

ClinVar aggregate classification (germline): Uncertain significance (1 of 4 stars; one submission).

Conditions:
Gastrointestinal stromal tumor. Also called: Gastrointestinal stroma tumor; Gastrointestinal stromal tumor, somatic. Identifiers: Orphanet 44890, MedGen C0238198, MeSH D046152, MONDO:0011719, OMIM 606764, HP:0100723.

Submission:

Labcorp Genetics (formerly Invitae), Labcorp
Classification: Uncertain significance for Gastrointestinal stromal tumor. Last evaluated: 2024-04-22. Review status: criteria provided, single submitter. Criteria: Invitae Variant Classification Sherloc (09022015). Collection method: clinical testing. Allele origin: germline.
Comment: This sequence change replaces alanine, which is neutral and non-polar, with proline, which is neutral and non-polar, at codon 4 of the KIT protein (p.Ala4Pro). This variant is not present in population databases (gnomAD no frequency). This variant has not been reported in the literature in individuals affected with KIT-related conditions. ClinVar contains an entry for this variant (Variation ID: 528500). An algorithm developed to predict the effect of missense changes on protein structure and function (PolyPhen-2) suggests that this variant is likely to be disruptive. In summary, the available evidence is currently insufficient to determine the role of this variant in disease. Therefore, it has been classified as a Variant of Uncertain Significance.